The following is an entry in ClinVar:

NM_033026.6(PCLO):c.1369G>A (p.Gly457Arg)

Gene: PCLO (piccolo presynaptic cytomatrix protein; minus strand). Cytogenetic location: 7q21.11.
Variant type: single nucleotide variant.
Coding change: c.1369G>A on transcript NM_033026.6 (MANE Select); coding-DNA position 1369, G replaced by A.
Protein change: p.Gly457Arg; replaces glycine 457 with arginine.
Molecular consequence: missense variant.
Genome position (GRCh38, 1-based): chr7:83,155,272, C>T on the plus strand (G>A on the coding strand, the complement: PCLO is on the minus strand). VCF-style: chr7-83155272-C-T. GRCh37 (hg19) VCF-style: chr7-82784588-C-T.
Other names: c.1369G>A, p.Gly457Arg (NM_014510.3); short protein forms G457R.
Identifiers: ClinVar variation 774655 (VCV000774655.33), dbSNP rs144574814, ClinGen allele CA4321475.

ClinVar aggregate classification (germline): Benign. Review status: criteria provided, multiple submitters, no conflicts (2 of 4 stars). 4 submissions from 4 submitters: Benign (4). Last evaluated 2026-02-02.

Conditions:
Inborn genetic diseases. Identifiers: MedGen C0950123, MeSH D030342.

Allele frequency attached by ClinVar (database versions not stated): ESP Exome Variant Server 0.00228; 1000 Genomes Project 30x 0.00234; 1000 Genomes Project 0.00240; gnomAD 0.00277 and 0.00311; TOPMed 0.00291; ExAC 0.00406; gnomAD exomes 0.00424 and 0.00453.
gnomAD v4.1: 7,167 of 1,613,804 alleles (0.44%); highest among the groups gnomAD compares: Middle Eastern, 1.6%; 46 homozygotes.

Submissions (4):

Labcorp Genetics (formerly Invitae), Labcorp
Classification: Benign. Last evaluated: 2026-02-02. Review status: criteria provided, single submitter. Criteria: Invitae Variant Classification Sherloc (09022015). Collection method: clinical testing. Allele origin: germline.

CeGaT Center for Human Genetics Tuebingen
Classification: Benign. Last evaluated: 2025-01-01. Review status: criteria provided, single submitter. Criteria: CeGaT Center For Human Genetics Tuebingen Variant Classification Criteria Version 2. Collection method: clinical testing. Allele origin: germline. Affected: yes. Observed: 3 variant alleles.
Comment: PCLO: BP4, BS1, BS2

Ambry Genetics
Classification: Benign for Inborn genetic diseases. Last evaluated: 2022-04-27. Review status: criteria provided, single submitter. Criteria: Ambry Variant Classification Scheme 2023. Collection method: clinical testing. Allele origin: germline.

Breakthrough Genomics
Classification: Benign. Review status: criteria provided, single submitter. Criteria: ACMG Guidelines, 2015. Collection method: not provided. Allele origin: germline. Inheritance: Autosomal recessive inheritance. Affected: yes.